The following is an entry in ClinVar:

NM_080680.3(COL11A2):c.1774-14TCC[3]

Gene: COL11A2 (collagen type XI alpha 2 chain; minus strand). Cytogenetic location: 6p21.32.
Variant type: Microsatellite.
Coding change: c.1774-14TCC[3] on transcript NM_080680.3 (MANE Select); three copies in a row of the 3-base unit TCC starting at c.1774-14; the reference has four copies in a row; one copy, 3 bases deleted.
Molecular consequence: intron variant.
Genome position (GRCh38, 1-based): chr6:33,178,355-33,178,357, GGA deleted on the plus strand (TCC on the coding strand, the reverse complement: COL11A2 is on the minus strand); deleting any 3 consecutive bases within chr6:33,178,355-33,178,366 gives the same sequence; the position shown is the placement nearest the transcript's 3' end. VCF-style (leftmost placement, unchanged base first): chr6-33178354-TGGA-T. GRCh37 (hg19) VCF-style: chr6-33146131-TGGA-T.
Other names: c.748-14TCC[3] (NM_001424111.1, NM_001424110.1); c.1453-14TCC[3] (NM_080679.3); c.1516-14TCC[3] (NM_080681.3); c.1594-14TCC[3] (NM_001424108.1); c.928-14TCC[3] (NM_001424109.1).
Identifiers: ClinVar variation 2955168 (VCV002955168.4), dbSNP rs761250821, ClinGen allele CA3751206.

ClinVar aggregate classification (germline): Conflicting classifications of pathogenicity. Review status: criteria provided, conflicting classifications (1 of 4 stars). 2 submissions from 2 submitters: Uncertain significance (1); Likely benign (1). Last evaluated 2026-04-01.

Submissions (2):

GeneDx
Classification: Uncertain significance. Last evaluated: 2026-04-01. Review status: criteria provided, single submitter. Criteria: GeneDx Variant Classification Process June 2021. Collection method: clinical testing. Allele origin: germline.
Comment: Not observed at significant frequency in large population cohorts (gnomAD); In silico analysis suggests that this variant does not alter splicing; Has not been previously published as pathogenic or benign to our knowledge

Labcorp Genetics (formerly Invitae), Labcorp
Classification: Likely benign. Last evaluated: 2025-12-29. Review status: criteria provided, single submitter. Criteria: Invitae Variant Classification Sherloc (09022015). Collection method: clinical testing. Allele origin: germline.